The following is an entry in ClinVar:

ClinVar aggregate classification (germline): Uncertain significance. Review status: criteria provided, multiple submitters, no conflicts (2 of 4 stars). 2 submissions from 2 submitters: Uncertain significance (2). Last evaluated 2024-06-16.

Conditions:
Colorectal cancer, hereditary nonpolyposis, type 7. Identifiers: Orphanet 144, MedGen C1858380, MONDO:0013725, OMIM 614385.

Submissions (2):

Ambry Genetics
Classification: Uncertain significance. Last evaluated: 2024-06-16. Review status: criteria provided, single submitter. Criteria: Ambry Variant Classification Scheme 2023. Collection method: clinical testing. Allele origin: germline.
Comment: The p.E1334G variant (also known as c.4001A>G), located in coding exon 9 of the MLH3 gene, results from an A to G substitution at nucleotide position 4001. The glutamic acid at codon 1334 is replaced by glycine, an amino acid with similar properties. This amino acid position is conserved. In addition, the in silico prediction for this alteration is inconclusive. Based on the available evidence, the clinical significance of this variant remains unclear.

Labcorp Genetics (formerly Invitae), Labcorp
Classification: Uncertain significance for Colorectal cancer, hereditary nonpolyposis, type 7. Last evaluated: 2017-09-14. Review status: criteria provided, single submitter. Criteria: Invitae Variant Classification Sherloc (09022015). Collection method: clinical testing. Allele origin: germline.
Comment: In summary, the available evidence is currently insufficient to determine the role of this variant in disease. Therefore, it has been classified as a Variant of Uncertain Significance. Algorithms developed to predict the effect of missense changes on protein structure and function do not agree on the potential impact of this missense change (SIFT: "Deleterious"; PolyPhen-2: "Probably Damaging"; Align-GVGD: "Class C0"). This variant has not been reported in the literature in individuals with MLH3-related disease. This variant is not present in population databases (ExAC no frequency). This sequence change replaces glutamic acid with glycine at codon 1334 of the MLH3 protein (p.Glu1334Gly). The glutamic acid residue is highly conserved and there is a moderate physicochemical difference between glutamic acid and glycine.

NM_001040108.2(MLH3):c.4001A>G (p.Glu1334Gly)

Gene: MLH3 (mutL homolog 3; minus strand). Cytogenetic location: 14q24.3.
Variant type: single nucleotide variant.
Coding change: c.4001A>G on transcript NM_001040108.2 (MANE Select); coding-DNA position 4001, A replaced by G.
Protein change: p.Glu1334Gly; replaces glutamic acid 1334 with glycine.
Molecular consequence: missense variant.
Genome position (GRCh38, 1-based): chr14:75,023,005, T>C on the plus strand (A>G on the coding strand, the complement: MLH3 is on the minus strand). VCF-style: chr14-75023005-T-C. GRCh37 (hg19) VCF-style: chr14-75489708-T-C.
Other names: c.3929A>G, p.Glu1310Gly (NM_014381.3); short protein forms E1334G, E1310G.
Identifiers: ClinVar variation 544274 (VCV000544274.9), dbSNP rs1555387525, ClinGen allele CA390421749.